The following is an entry in ClinVar:

NM_004415.4(DSP):c.5318T>C (p.Leu1773Ser)

Gene: DSP (desmoplakin; plus strand). Cytogenetic location: 6p24.3.
Variant type: single nucleotide variant.
Coding change: c.5318T>C on transcript NM_004415.4 (MANE Select); coding-DNA position 5318, T replaced by C.
Protein change: p.Leu1773Ser; replaces leucine 1773 with serine.
Molecular consequence: missense variant. On other transcripts: intron variant (2).
Genome position (GRCh38, 1-based): chr6:7,581,508, T>C. VCF-style: chr6-7581508-T-C. GRCh37 (hg19) VCF-style: chr6-7581741-T-C.
Other names: c.4051-1134T>C (NM_001319034.2); c.3583-1134T>C (NM_001008844.3); short protein forms L1773S.
Identifiers: ClinVar variation 1503252 (VCV001503252.6), dbSNP rs2113696090, ClinGen allele CA362688331.

ClinVar aggregate classification (germline): Uncertain significance (1 of 4 stars; one submission).

Conditions:
Arrhythmogenic cardiomyopathy with wooly hair and keratoderma. Also called: Carvajal syndrome; Arrhythmogenic cardiomyopathy with woolly hair and keratoderma; PALMOPLANTAR KERATODERMA WITH LEFT VENTRICULAR CARDIOMYOPATHY AND WOOLLY HAIR; Dilated cardiomyopathy with woolly hair and keratoderma. Identifiers: Orphanet 65282, MedGen C1854063, MONDO:0011581, OMIM 605676.
Arrhythmogenic right ventricular dysplasia 8 (ARVD8). Also called: ARRHYTHMOGENIC RIGHT VENTRICULAR DYSPLASIA, FAMILIAL, 8; Arrhythmogenic Right Ventricular Dysplasia/Cardiomyopathy 8; ARRHYTHMOGENIC RIGHT VENTRICULAR CARDIOMYOPATHY 8. Identifiers: MedGen C1843896, MONDO:0011831, OMIM 607450.

Allele frequency attached by ClinVar (database versions not stated): gnomAD exomes below 0.00001.
gnomAD v4.1: 1 of 1,614,074 alleles (0.000062%); highest among the groups gnomAD compares: Non-Finnish European, 0.000085%; no homozygotes.

Submission:

Labcorp Genetics (formerly Invitae), Labcorp
Classification: Uncertain significance for Arrhythmogenic cardiomyopathy with wooly hair and keratoderma; Arrhythmogenic right ventricular dysplasia 8. Last evaluated: 2021-11-12. Review status: criteria provided, single submitter. Criteria: Invitae Variant Classification Sherloc (09022015). Collection method: clinical testing. Allele origin: germline.
Comment: In summary, the available evidence is currently insufficient to determine the role of this variant in disease. Therefore, it has been classified as a Variant of Uncertain Significance. Algorithms developed to predict the effect of missense changes on protein structure and function (SIFT, PolyPhen-2, Align-GVGD) all suggest that this variant is likely to be disruptive. This variant has not been reported in the literature in individuals affected with DSP-related conditions. This variant is not present in population databases (gnomAD no frequency). This sequence change replaces leucine, which is neutral and non-polar, with serine, which is neutral and polar, at codon 1773 of the DSP protein (p.Leu1773Ser).